The following is an entry in ClinVar:

ClinVar aggregate classification (germline): Pathogenic/Likely pathogenic. Review status: criteria provided, multiple submitters, no conflicts (2 of 4 stars). 4 submissions from 4 submitters: Pathogenic (3); Likely pathogenic (1). Last evaluated 2025-02-16.

Conditions:
Lipoic acid synthetase deficiency. Also called: HYPERGLYCINEMIA, LACTIC ACIDOSIS, AND SEIZURES. Identifiers: Orphanet 401859, MedGen C3280887, MONDO:0013762, OMIM 614462.
LIAS-related disorders.

Allele frequency attached by ClinVar (database versions not stated): gnomAD exomes below 0.00001 and 0.00001.
gnomAD v4.1: 3 of 1,607,468 alleles (0.00019%); highest among the groups gnomAD compares: Non-Finnish European, 0.00025%; no homozygotes.

Submissions (4):

Laboratory of Genetics, Children's Clinical University Hospital Latvia
Classification: Pathogenic. Last evaluated: 2025-02-16. Review status: criteria provided, single submitter. Criteria: ACMG Guidelines, 2015. Collection method: clinical testing. Allele origin: germline. Affected: yes.

Labcorp Genetics (formerly Invitae), Labcorp
Classification: Pathogenic for Lipoic acid synthetase deficiency. Last evaluated: 2024-05-09. Review status: criteria provided, single submitter. Criteria: Invitae Variant Classification Sherloc (09022015). Collection method: clinical testing. Allele origin: germline.
Comment: This sequence change creates a premature translational stop signal (p.Arg217*) in the LIAS gene. It is expected to result in an absent or disrupted protein product. Loss-of-function variants in LIAS are known to be pathogenic (PMID: 24334290, 27923773). The frequency data for this variant in the population databases is considered unreliable, as metrics indicate poor data quality at this position in the gnomAD database. This variant has not been reported in the literature in individuals affected with LIAS-related conditions. ClinVar contains an entry for this variant (Variation ID: 1073123). Algorithms developed to predict the effect of sequence changes on RNA splicing suggest that this variant may disrupt the consensus splice site. For these reasons, this variant has been classified as Pathogenic.

Blueprint Genetics
Classification: Likely pathogenic for LIAS-related disorders. Last evaluated: 2024-04-17. Review status: criteria provided, single submitter. Criteria: ACMG Guidelines, 2015. Collection method: clinical testing. Allele origin: germline. Affected: yes. Observed: 1 variant allele.

Dasa
Classification: Pathogenic for Lipoic acid synthetase deficiency. Last evaluated: 2022-11-03. Review status: criteria provided, single submitter. Criteria: ACMG Guidelines, 2015. Collection method: clinical testing. Allele origin: germline. Affected: yes. Observed: 1 variant allele.
Comment: The c.649C>T;p.(Arg217*) variant creates a premature translational stop signal in the LIAS gene. It is expected to result in an absent or disrupted protein product - PVS1. ClinVar contains an entry for this variant (ClinVar ID: 1073123) - PS4_supporting. The variant is present at low allele frequencies population databases (rs997841253 – gnomAD 0.00004029%; ABraOM no frequency) - PM2_supporting. In summary, the currently available evidence indicates that the variant is pathogenic.

Literature cited by the submitters: PubMed 24334290 (cited by Labcorp Genetics (formerly Invitae), Labcorp); PubMed 27923773 (cited by Labcorp Genetics (formerly Invitae), Labcorp).

NM_006859.4(LIAS):c.649C>T (p.Arg217Ter)

Gene: LIAS (lipoic acid synthetase; plus strand). Cytogenetic location: 4p14.
Variant type: single nucleotide variant.
Coding change: c.649C>T on transcript NM_006859.4 (MANE Select); coding-DNA position 649, C replaced by T.
Protein change: p.Arg217Ter; replaces arginine 217 with a stop codon.
Molecular consequence: nonsense. On other transcripts: intron variant (1).
Genome position (GRCh38, 1-based): chr4:39,467,558, C>T. VCF-style: chr4-39467558-C-T. GRCh37 (hg19) VCF-style: chr4-39469178-C-T.
Other names: c.340C>T, p.Arg114Ter (NM_001363700.2); c.649C>T, p.Arg217Ter (NM_194451.3); c.608+2216C>T (NM_001278590.2); short protein forms R114*, R217*.
Identifiers: ClinVar variation 1073123 (VCV001073123.11), dbSNP rs997841253, ClinGen allele CA95730214.